The following is an entry in ClinVar:

ClinVar aggregate classification (germline): Uncertain significance. Review status: criteria provided, multiple submitters, no conflicts (2 of 4 stars). 2 submissions from 2 submitters: Uncertain significance (2). Last evaluated 2021-08-26.

Conditions:
Ellis-van Creveld syndrome (EVC). Also called: EVC-Related Ellis-van Creveld Syndrome; EVC2-Related Ellis-van Creveld Syndrome; MESOECTODERMAL DYSPLASIA; Chondroectodermal dysplasia. Identifiers: Orphanet 289, MedGen C0013903, MONDO:0009162, OMIM 225500.
Curry-Hall syndrome (WAD). Also called: WEYERS ACRODENTAL DYSOSTOSIS. Identifiers: Orphanet 952, MedGen C0457013, MONDO:0008673, OMIM 193530.

Allele frequency attached by ClinVar (database versions not stated): TOPMed 0.00004.
gnomAD v4.1: 25 of 1,607,788 alleles (0.0016%); highest among the groups gnomAD compares: African/African-American, 0.0053%; no homozygotes.

Submissions (2):

Labcorp Genetics (formerly Invitae), Labcorp
Classification: Uncertain significance for Curry-Hall syndrome; Ellis-van Creveld syndrome. Last evaluated: 2021-08-26. Review status: criteria provided, single submitter. Criteria: Invitae Variant Classification Sherloc (09022015). Collection method: clinical testing. Allele origin: germline.
Comment: This sequence change replaces arginine with histidine at codon 1140 of the EVC2 protein (p.Arg1140His). The arginine residue is weakly conserved and there is a small physicochemical difference between arginine and histidine. This variant is not present in population databases (ExAC no frequency). This variant has not been reported in the literature in individuals affected with EVC2-related conditions. Algorithms developed to predict the effect of missense changes on protein structure and function output the following: SIFT: "Tolerated"; PolyPhen-2: "Benign"; Align-GVGD: "Class C0". The histidine amino acid residue is found in multiple mammalian species, which suggests that this missense change does not adversely affect protein function. In summary, the available evidence is currently insufficient to determine the role of this variant in disease. Therefore, it has been classified as a Variant of Uncertain Significance.

ARUP Laboratories, Molecular Genetics and Genomics, ARUP Laboratories
Classification: Uncertain significance. Last evaluated: 2020-06-22. Review status: criteria provided, single submitter. Criteria: ARUP Molecular Germline Variant Investigation Process. Collection method: clinical testing. Allele origin: germline.
Comment: The EVC2 c.3419G>A; p.Arg1140His variant (rs779684008), to our knowledge, is not reported in the medical literature or gene specific databases. This variant is only observed on three alleles in the Genome Aggregation Database, indicating it is not a common polymorphism. The arginine at codon 1140 is weakly conserved, and computational analyses (SIFT, PolyPhen-2) predict that this variant is tolerated. Due to limited information, the clinical significance of the p.Arg1140His variant is uncertain at this time.

NM_147127.5(EVC2):c.3419G>A (p.Arg1140His)

Gene: EVC2 (EvC ciliary complex subunit 2; minus strand). Cytogenetic location: 4p16.2.
Variant type: single nucleotide variant.
Coding change: c.3419G>A on transcript NM_147127.5 (MANE Select); coding-DNA position 3419, G replaced by A.
Protein change: p.Arg1140His; replaces arginine 1140 with histidine.
Molecular consequence: missense variant.
Genome position (GRCh38, 1-based): chr4:5,568,582, C>T on the plus strand (G>A on the coding strand, the complement: EVC2 is on the minus strand). VCF-style: chr4-5568582-C-T. GRCh37 (hg19) VCF-style: chr4-5570309-C-T.
Other names: c.3179G>A, p.Arg1060His (NM_001166136.2); short protein forms R1060H, R1140H.
Identifiers: ClinVar variation 993994 (VCV000993994.10), dbSNP rs779684008, ClinGen allele CA91691430.
Genomic context (GRCh38, chr4:5,568,582, plus strand): 5'-TCCAGCAGGGCCAGCAGCTGAGGCTGTGAGGCTGTGGGCAGTACCACACTCAGGAGCCGG[C>T]GAAGCGTGGCCCCGGGCACCATGGCCATCCTCGCCAGGTACGATGCCAGTCTCAGCTCCT-3'
Protein context (NP_667338.3, residues 1130-1150): RMAMVPGATL[Arg1140His]RLLSVVLPTA